The following is an entry in ClinVar:

ClinVar aggregate classification (germline): Uncertain significance (1 of 4 stars; one submission).

Conditions:
Autoimmune lymphoproliferative syndrome type 2A (ALPS2A). Also called: CASP10-Related Autoimmune Lymphoproliferative Syndrome; AUTOIMMUNE LYMPHOPROLIFERATIVE SYNDROME, TYPE IIA; Autoimmune lymphoproliferative syndrome type 2. Identifiers: Orphanet 3261, MedGen C1858968, MONDO:0011383, OMIM 603909.

Allele frequency attached by ClinVar (database versions not stated): gnomAD 0.00002; gnomAD exomes 0.00002 and 0.00005; TOPMed 0.00003; ExAC 0.00004.
gnomAD v4.1: 35 of 1,612,440 alleles (0.0022%); highest among the groups gnomAD compares: Admixed American, 0.0017%; no homozygotes.

Submission:

Labcorp Genetics (formerly Invitae), Labcorp
Classification: Uncertain significance for Autoimmune lymphoproliferative syndrome type 2A. Last evaluated: 2026-01-25. Review status: criteria provided, single submitter. Criteria: Invitae Variant Classification Sherloc (09022015). Collection method: clinical testing. Allele origin: germline.
Comment: This sequence change replaces proline, which is neutral and non-polar, with leucine, which is neutral and non-polar, at codon 199 of the CASP10 protein (p.Pro199Leu). This variant is present in population databases (rs200079223, gnomAD 0.09%), and has an allele count higher than expected for a pathogenic variant. This variant has not been reported in the literature in individuals affected with CASP10-related conditions. ClinVar contains an entry for this variant (Variation ID: 969533). Invitae Evidence Modeling of protein sequence and biophysical properties (such as structural, functional, and spatial information, amino acid conservation, physicochemical variation, residue mobility, and thermodynamic stability) indicates that this missense variant is not expected to disrupt CASP10 protein function with a negative predictive value of 80%. In summary, the available evidence is currently insufficient to determine the role of this variant in disease. Therefore, it has been classified as a Variant of Uncertain Significance.

NM_032977.4(CASP10):c.596C>T (p.Pro199Leu)

Gene: CASP10 (caspase 10; plus strand). Cytogenetic location: 2q33.1.
Variant type: single nucleotide variant.
Coding change: c.596C>T on transcript NM_032977.4 (MANE Select); coding-DNA position 596, C replaced by T.
Protein change: p.Pro199Leu; replaces proline 199 with leucine.
Molecular consequence: missense variant.
Genome position (GRCh38, 1-based): chr2:201,195,860, C>T. VCF-style: chr2-201195860-C-T. GRCh37 (hg19) VCF-style: chr2-202060583-C-T.
Other names: c.596C>T, p.Pro199Leu (NM_001206524.2, NM_001206542.2, NM_001230.5 and 3 more transcripts); short protein forms P199L.
Identifiers: ClinVar variation 969533 (VCV000969533.12), dbSNP rs200079223, ClinGen allele CA2052922.
Genomic context (GRCh38, chr2:201,195,860, plus strand): 5'-AGAAGGTGATTTTTATTTTTCTGTCTGTGATTTTATTTTCAGCTATCCAGATAGTGACAC[C>T]TCCTGTAGACAAGGAAGCCGAGTCGTATCAAGGAGAGGAAGAACTAGTTTCCCAAACAGA-3'
Protein context (NP_116759.2, residues 189-209): KREKAIQIVT[Pro199Leu]PVDKEAESYQ